The following is an entry in ClinVar:

ClinVar aggregate classification (germline): Uncertain significance (1 of 4 stars; one submission).

Conditions:
Inborn genetic diseases. Identifiers: MedGen C0950123, MeSH D030342.

Submission:

Ambry Genetics
Classification: Uncertain significance for Inborn genetic diseases. Last evaluated: 2026-08-29. Review status: criteria provided, single submitter. Criteria: Ambry Variant Classification Scheme 2023. Collection method: clinical testing. Allele origin: germline.
Comment: The p.D128E variant (also known as c.384C>A), located in coding exon 3 of the MECOM gene, results from a C to A substitution at nucleotide position 384. The aspartic acid at codon 128 is replaced by glutamic acid, an amino acid with highly similar properties. This amino acid position is conserved. In addition, this alteration is predicted to be tolerated by in silico analysis. Based on the available evidence, the clinical significance of this variant remains unclear.

NM_004991.4(MECOM):c.384C>A (p.Asp128Glu)

Gene: MECOM (MDS1 and EVI1 complex locus; minus strand). Cytogenetic location: 3q26.2.
Variant type: single nucleotide variant.
Coding change: c.384C>A on transcript NM_004991.4 (MANE Select); coding-DNA position 384, C replaced by A.
Protein change: p.Asp128Glu; replaces aspartic acid 128 with glutamic acid.
Molecular consequence: missense variant. On other transcripts: 5 prime UTR variant (12).
Genome position (GRCh38, 1-based): chr3:169,143,824, G>T on the plus strand (C>A on the coding strand, the complement: MECOM is on the minus strand). VCF-style: chr3-169143824-G-T. GRCh37 (hg19) VCF-style: chr3-168861612-G-T.
Other names: c.12C>A, p.Asp4Glu (NM_001105077.4); c.-181C>A (NM_001105078.4, NM_001163999.2, NM_001164000.2 and 9 more transcripts); c.384C>A, p.Asp128Glu (NM_001366466.2, NM_001366473.2); short protein forms D4E, D128E.
Identifiers: ClinVar variation 5024200 (VCV005024200.1).